The following is an entry in ClinVar:

NM_006662.3(SRCAP):c.5718A>T (p.Gln1906His)

Gene: SRCAP (Snf2 related CREBBP activator protein; plus strand). Cytogenetic location: 16p11.2.
Variant type: single nucleotide variant.
Coding change: c.5718A>T on transcript NM_006662.3 (MANE Select); coding-DNA position 5718, A replaced by T.
Protein change: p.Gln1906His; replaces glutamine 1906 with histidine.
Molecular consequence: missense variant.
Genome position (GRCh38, 1-based): chr16:30,729,025, A>T. VCF-style: chr16-30729025-A-T. GRCh37 (hg19) VCF-style: chr16-30740346-A-T.
Other names: short protein forms Q1906H.
Identifiers: ClinVar variation 4999024 (VCV004999024.1).

ClinVar aggregate classification (germline): Uncertain significance (1 of 4 stars; one submission).

Conditions:
SRCAP-related disorder. Also called: SRCAP-related condition.

Submission:

PreventionGenetics, part of Exact Sciences
Classification: Uncertain significance for SRCAP-related condition. Last evaluated: 2025-07-12. Review status: criteria provided, single submitter. Criteria: ACMG Guidelines, 2015. Collection method: clinical testing. Allele origin: germline.
Comment: The SRCAP c.5718A>T variant is predicted to result in the amino acid substitution p.Gln1906His. To our knowledge, this variant has not been reported in the literature or in a large population database (gnomAD), indicating this variant is rare. At this time, the clinical significance of this variant is uncertain due to the absence of conclusive functional and genetic evidence.